The following is an entry in ClinVar:

Conditions:
Breast-ovarian cancer, familial, susceptibility to, 1 (BROVCA1). Also called: BRCA1 Hereditary Breast and Ovarian Cancer; OVARIAN CANCER, SUSCEPTIBILITY TO. Identifiers: Orphanet 145, MedGen C2676676, MONDO:0011450, OMIM 604370. Disease mechanism: loss of function.

Submission:

Brotman Baty Institute, University of Washington
No classification provided (evidence only). Condition: Breast-ovarian cancer, familial 1. Review status: no classification provided. Collection method: in vitro. Allele origin: not applicable. Functional consequence: functionally_normal.
ClinVar note: "not provided" was previously submitted as the classification for the variant. However, the classification appeared to be based only on an observation of functional data so it was converted to no classification on 2025-07-30.

NM_007294.4(BRCA1):c.5113C>A (p.Leu1705Ile)

Gene: BRCA1 (BRCA1 DNA repair associated; minus strand). Cytogenetic location: 17q21.31.
Variant type: single nucleotide variant.
Coding change: c.5113C>A on transcript NM_007294.4 (MANE Select); coding-DNA position 5113, C replaced by A.
Protein change: p.Leu1705Ile; replaces leucine 1705 with isoleucine.
Molecular consequence: missense variant. On other transcripts: non-coding transcript variant (1).
Genome position (GRCh38, 1-based): chr17:43,063,913, G>T on the plus strand (C>A on the coding strand, the complement: BRCA1 is on the minus strand). VCF-style: chr17-43063913-G-T. GRCh37 (hg19) VCF-style: chr17-41215930-G-T.
Other names: c.4972C>A, p.Leu1658Ile (NM_001407695.1, NM_001407731.1, NM_007297.4 and 13 more transcripts); c.4969C>A, p.Leu1657Ile (NM_001407732.1, NM_001407733.1, NM_001407734.1 and 21 more transcripts); c.4966C>A, p.Leu1656Ile (NM_001407838.1, NM_001407839.1, NM_001407841.1 and 12 more transcripts); c.5110C>A, p.Leu1704Ile (NM_001407858.1, NM_001407859.1, NM_001407860.1 and 17 more transcripts); c.5107C>A, p.Leu1703Ile (NM_001407861.1, NM_001407627.1, NM_001407628.1 and 14 more transcripts); c.4912C>A, p.Leu1638Ile (NM_001407862.1); c.4906C>A, p.Leu1636Ile (NM_001407874.1, NM_001407875.1); c.4903C>A, p.Leu1635Ile (NM_001407879.1, NM_001407881.1, NM_001407882.1 and 5 more transcripts); and 71 more; short protein forms L1705I, L1658I, L1726I, L601I, L1408I, L1577I, L1594I, L1616I.
Identifiers: ClinVar variation 867663 (VCV000867663.3), dbSNP rs80356858, ClinGen allele CA10591303.